The following is an entry in ClinVar:

NM_006939.4(SOS2):c.3067C>T (p.Pro1023Ser)

Gene: SOS2 (SOS Ras/Rho guanine nucleotide exchange factor 2; minus strand). Cytogenetic location: 14q21.3.
Variant type: single nucleotide variant.
Coding change: c.3067C>T on transcript NM_006939.4 (MANE Select); coding-DNA position 3067, C replaced by T.
Protein change: p.Pro1023Ser; replaces proline 1023 with serine.
Molecular consequence: missense variant.
Genome position (GRCh38, 1-based): chr14:50,134,131, G>A on the plus strand (C>T on the coding strand, the complement: SOS2 is on the minus strand). VCF-style: chr14-50134131-G-A. GRCh37 (hg19) VCF-style: chr14-50600849-G-A.
Other names: c.3067C>T (NM_006939.2); short protein forms P1023S.
Identifiers: ClinVar variation 1504437 (VCV001504437.9), dbSNP rs1287471667, ClinGen allele CA389641502.

ClinVar aggregate classification (germline): Uncertain significance. Review status: criteria provided, multiple submitters, no conflicts (2 of 4 stars). 2 submissions from 2 submitters: Uncertain significance (2). Last evaluated 2025-09-12.

Conditions:
Noonan syndrome 9 (NS9). Identifiers: Orphanet 648, MedGen C4225282, MONDO:0014691, OMIM 616559.
Cardiovascular phenotype. Identifiers: MedGen CN230736.

Allele frequency attached by ClinVar (database versions not stated): gnomAD exomes below 0.00001; TOPMed below 0.00001.
gnomAD v4.1: 1 of 1,504,214 alleles (0.000066%); highest among the groups gnomAD compares: Non-Finnish European, 0.000092%; no homozygotes.

Submissions (2):

Ambry Genetics
Classification: Uncertain significance for Cardiovascular phenotype. Last evaluated: 2025-09-12. Review status: criteria provided, single submitter. Criteria: Ambry Variant Classification Scheme 2023. Collection method: clinical testing. Allele origin: germline.
Comment: The p.P1023S variant (also known as c.3067C>T), located in coding exon 19 of the SOS2 gene, results from a C to T substitution at nucleotide position 3067. The proline at codon 1023 is replaced by serine, an amino acid with similar properties. This amino acid position is conserved. In addition, this alteration is predicted to be tolerated by in silico analysis. Based on the available evidence, the clinical significance of this variant remains unclear.

Labcorp Genetics (formerly Invitae), Labcorp
Classification: Uncertain significance for Noonan syndrome 9. Last evaluated: 2024-11-04. Review status: criteria provided, single submitter. Criteria: Invitae Variant Classification Sherloc (09022015). Collection method: clinical testing. Allele origin: germline.
Comment: This sequence change replaces proline, which is neutral and non-polar, with serine, which is neutral and polar, at codon 1023 of the SOS2 protein (p.Pro1023Ser). This variant is present in population databases (no rsID available, gnomAD 0.0009%). This variant has not been reported in the literature in individuals affected with SOS2-related conditions. ClinVar contains an entry for this variant (Variation ID: 1504437). Invitae Evidence Modeling of protein sequence and biophysical properties (such as structural, functional, and spatial information, amino acid conservation, physicochemical variation, residue mobility, and thermodynamic stability) indicates that this missense variant is not expected to disrupt SOS2 protein function with a negative predictive value of 95%. In summary, the available evidence is currently insufficient to determine the role of this variant in disease. Therefore, it has been classified as a Variant of Uncertain Significance.